The following is an entry in ClinVar:

NM_014112.5(TRPS1):c.3724A>T (p.Met1242Leu)

Gene: TRPS1 (transcriptional repressor GATA binding 1; minus strand). Cytogenetic location: 8q23.3.
Variant type: single nucleotide variant.
Coding change: c.3724A>T on transcript NM_014112.5 (MANE Select); coding-DNA position 3724, A replaced by T.
Protein change: p.Met1242Leu; replaces methionine 1242 with leucine.
Molecular consequence: missense variant.
Genome position (GRCh38, 1-based): chr8:115,414,184, T>A on the plus strand (A>T on the coding strand, the complement: TRPS1 is on the minus strand). VCF-style: chr8-115414184-T-A. GRCh37 (hg19) VCF-style: chr8-116426412-T-A.
Other names: c.3697A>T, p.Met1233Leu (NM_001282902.3); c.3703A>T, p.Met1235Leu (NM_001282903.3); c.3685A>T, p.Met1229Leu (NM_001330599.2); short protein forms M1233L, M1229L, M1242L, M1235L.
Identifiers: ClinVar variation 2139558 (VCV002139558.4), dbSNP rs374209544, ClinGen allele CA4851453.

ClinVar aggregate classification (germline): Uncertain significance (1 of 4 stars; one submission).

Conditions:
Trichorhinophalangeal syndrome, type III (TRPS3). Also called: SUGIO-KAJII SYNDROME. Identifiers: Orphanet 77258, MedGen C1860823, OMIM 190351, MONDO:0008597.
Trichorhinophalangeal dysplasia type I (TRPS1). Also called: TRICHORHINOPHALANGEAL SYNDROME, TYPE I; TRPS I. Identifiers: Orphanet 77258, MedGen C0432233, MONDO:0008596, OMIM 190350.

Submission:

Labcorp Genetics (formerly Invitae), Labcorp
Classification: Uncertain significance for Trichorhinophalangeal syndrome, type III; Trichorhinophalangeal dysplasia type I. Last evaluated: 2024-07-01. Review status: criteria provided, single submitter. Criteria: Invitae Variant Classification Sherloc (09022015). Collection method: clinical testing. Allele origin: germline.
Comment: This sequence change replaces methionine, which is neutral and non-polar, with leucine, which is neutral and non-polar, at codon 1242 of the TRPS1 protein (p.Met1242Leu). This variant is present in population databases (rs374209544, gnomAD 0.002%). This variant has not been reported in the literature in individuals affected with TRPS1-related conditions. ClinVar contains an entry for this variant (Variation ID: 2139558). Advanced modeling of protein sequence and biophysical properties (such as structural, functional, and spatial information, amino acid conservation, physicochemical variation, residue mobility, and thermodynamic stability) performed at Invitae indicates that this missense variant is not expected to disrupt TRPS1 protein function with a negative predictive value of 80%. In summary, the available evidence is currently insufficient to determine the role of this variant in disease. Therefore, it has been classified as a Variant of Uncertain Significance.